The following is an entry in ClinVar:

NC_000008.10:g.(?_87655959)_(87666310_?)dup

Gene: CNGB3 (cyclic nucleotide gated channel subunit beta 3; minus strand). Cytogenetic location: 8q21.3.
Variant type: Duplication.
Identifiers: ClinVar variation 3245590 (VCV003245590.1).

ClinVar aggregate classification (germline): Likely pathogenic (1 of 4 stars; one submission).

Submission:

Labcorp Genetics (formerly Invitae), Labcorp
Classification: Likely pathogenic. Last evaluated: 2023-04-25. Review status: criteria provided, single submitter. Criteria: Invitae Variant Classification Sherloc (09022015). Collection method: clinical testing. Allele origin: unknown.
Comment: This variant has not been reported in the literature in individuals affected with CNGB3-related conditions. In summary, the currently available evidence indicates that the variant is pathogenic, but additional data are needed to prove that conclusively. Therefore, this variant has been classified as Likely Pathogenic. This variant results in a copy number gain of the genomic region encompassing exon(s) 7-10 of the CNGB3 gene. While the exact position of this variant cannot be determined from the data, sub-genic copy number gains are generally in tandem (PMID: 25640679). This variant is predicted to be out-of-frame, and may result in an absent or disrupted protein product. Loss-of-function variants in CNGB3 are known to be pathogenic (PMID: 28795510).

Literature cited by the submitters: PubMed 25640679; PubMed 28795510.